The following is an entry in ClinVar:

ClinVar aggregate classification (germline): Uncertain significance (1 of 4 stars; one submission).

Conditions:
Mitochondrial complex I deficiency, nuclear type 16. Also called: Mitochondrial complex 1 deficiency, nuclear type 16. Identifiers: MedGen C4748785, MONDO:0032621, OMIM 618238.

Submission:

Laboratorio de Genetica e Diagnostico Molecular, Hospital Israelita Albert Einstein
Classification: Uncertain significance for Mitochondrial complex I deficiency, nuclear type 16. Last evaluated: 2022-12-30. Review status: criteria provided, single submitter. Criteria: ACMG Guidelines, 2015. Collection method: clinical testing. Allele origin: germline. Affected: yes. Observed: 1 variant allele.
Comment: ACMG classification criteria: PM2 moderated, PM3 moderated, PP3 supporting

NM_024120.5(NDUFAF5):c.577A>G (p.Thr193Ala)

Gene: NDUFAF5 (NADH:ubiquinone oxidoreductase complex assembly factor 5; plus strand). Cytogenetic location: 20p12.1.
Variant type: single nucleotide variant.
Coding change: c.577A>G on transcript NM_024120.5 (MANE Select); coding-DNA position 577, A replaced by G.
Protein change: p.Thr193Ala; replaces threonine 193 with alanine.
Molecular consequence: missense variant. On other transcripts: non-coding transcript variant (7).
Genome position (GRCh38, 1-based): chr20:13,801,543, A>G. VCF-style: chr20-13801543-A-G. GRCh37 (hg19) VCF-style: chr20-13782189-A-G.
Other names: c.493A>G, p.Thr165Ala (NM_001039375.3); c.106A>G, p.Thr36Ala (NM_001352403.2); c.16A>G, p.Thr6Ala (NM_001352406.2, NM_001352407.2); c.577A>G, p.Thr193Ala (NM_001352408.2); short protein forms T165A, T193A, T36A, T6A.
Identifiers: ClinVar variation 2431736 (VCV002431736.1), dbSNP rs1984123650, ClinGen allele CA408270727.